The following is an entry in ClinVar:

NM_002471.4(MYH6):c.1315T>C (p.Trp439Arg)

Gene: MYH6 (myosin heavy chain 6; minus strand). Cytogenetic location: 14q11.2.
Variant type: single nucleotide variant.
Coding change: c.1315T>C on transcript NM_002471.4 (MANE Select); coding-DNA position 1315, T replaced by C.
Protein change: p.Trp439Arg; replaces tryptophan 439 with arginine.
Molecular consequence: missense variant.
Genome position (GRCh38, 1-based): chr14:23,400,804, A>G on the plus strand (T>C on the coding strand, the complement: MYH6 is on the minus strand). VCF-style: chr14-23400804-A-G. GRCh37 (hg19) VCF-style: chr14-23870013-A-G.
Other names: short protein forms W439R.
Identifiers: ClinVar variation 3648123 (VCV003648123.2).

ClinVar aggregate classification (germline): Uncertain significance (1 of 4 stars; one submission).

Conditions:
Hypertrophic cardiomyopathy 14. Identifiers: MedGen C2750467, MONDO:0013197, OMIM 613251.

Submission:

Labcorp Genetics (formerly Invitae), Labcorp
Classification: Uncertain significance for Hypertrophic cardiomyopathy 14. Last evaluated: 2025-10-02. Review status: criteria provided, single submitter. Criteria: Invitae Variant Classification Sherloc (09022015). Collection method: clinical testing. Allele origin: germline.
Comment: This sequence change replaces tryptophan, which is neutral and slightly polar, with arginine, which is basic and polar, at codon 439 of the MYH6 protein (p.Trp439Arg). This variant is not present in population databases (gnomAD no frequency). This variant has not been reported in the literature in individuals affected with MYH6-related conditions. ClinVar contains an entry for this variant (Variation ID: 3648123). Invitae Evidence Modeling of protein sequence and biophysical properties (such as structural, functional, and spatial information, amino acid conservation, physicochemical variation, residue mobility, and thermodynamic stability) indicates that this missense variant is expected to disrupt MYH6 protein function with a positive predictive value of 80%. In summary, the available evidence is currently insufficient to determine the role of this variant in disease. Therefore, it has been classified as a Variant of Uncertain Significance.